The following is an entry in ClinVar:

NM_000478.6(ALPL):c.1476C>T (p.Ala492=)

Gene: ALPL (alkaline phosphatase, biomineralization associated; plus strand). Cytogenetic location: 1p36.12.
Variant type: single nucleotide variant.
Coding change: c.1476C>T on transcript NM_000478.6 (MANE Select); coding-DNA position 1476, C replaced by T.
Protein change: p.Ala492=; no amino-acid change (alanine 492 retained).
Molecular consequence: synonymous variant.
Genome position (GRCh38, 1-based): chr1:21,577,549, C>T. VCF-style: chr1-21577549-C-T. GRCh37 (hg19) VCF-style: chr1-21904042-C-T.
Other names: c.1311C>T, p.Ala437= (NM_001127501.4); c.1245C>T, p.Ala415= (NM_001177520.3); c.1476C>T, p.Ala492= (NM_001369803.2, NM_001369804.2, NM_001369805.2); c.1476C>T (NM_000478.5).
Identifiers: ClinVar variation 1107671 (VCV001107671.11), dbSNP rs774516408, ClinGen allele CA666860.

ClinVar aggregate classification (germline): Likely benign. Review status: criteria provided, single submitter (1 of 4 stars). 2 submissions from 2 submitters: Likely benign (1). 1 of the submissions does not count toward it. Last evaluated 2024-02-23.

Conditions:
ALPL-related disorder. Also called: ALPL-related condition; ALPL-related disorders.

Allele frequency attached by ClinVar (database versions not stated): TOPMed below 0.00001; gnomAD 0.00001; gnomAD exomes 0.00002; ExAC 0.00003.
gnomAD v4.1: 23 of 1,605,162 alleles (0.0014%); highest among the groups gnomAD compares: Non-Finnish European, 0.0019%; no homozygotes.

Submissions (2):

Labcorp Genetics (formerly Invitae), Labcorp
Classification: Likely benign. Last evaluated: 2024-02-23. Review status: criteria provided, single submitter. Criteria: Invitae Variant Classification Sherloc (09022015). Collection method: clinical testing. Allele origin: germline.

PreventionGenetics, part of Exact Sciences
Classification: Likely benign for ALPL-related condition. Last evaluated: 2019-06-13. Review status: no assertion criteria provided. Collection method: clinical testing. Allele origin: germline. Not counted in ClinVar's aggregate classification.
Comment: This variant is classified as likely benign based on ACMG/AMP sequence variant interpretation guidelines (Richards et al. 2015 PMID: 25741868, with internal and published modifications).